The following is an entry in ClinVar:

ClinVar aggregate classification (germline): Uncertain significance (1 of 4 stars; one submission).

Allele frequency attached by ClinVar (database versions not stated): gnomAD exomes below 0.00001; TOPMed 0.00001.
gnomAD v4.1: 1 of 1,607,300 alleles (0.000062%); highest among the groups gnomAD compares: Non-Finnish European, 0.000085%; no homozygotes.

Submission:

Labcorp Genetics (formerly Invitae), Labcorp
Classification: Uncertain significance. Last evaluated: 2021-09-25. Review status: criteria provided, single submitter. Criteria: Invitae Variant Classification Sherloc (09022015). Collection method: clinical testing. Allele origin: germline.
Comment: This sequence change replaces serine with glycine at codon 1699 of the ADGRV1 protein (p.Ser1699Gly). The serine residue is highly conserved and there is a small physicochemical difference between serine and glycine. This variant is not present in population databases (ExAC no frequency). This variant has not been reported in the literature in individuals affected with ADGRV1-related conditions. Algorithms developed to predict the effect of missense changes on protein structure and function are either unavailable or do not agree on the potential impact of this missense change (SIFT: "Deleterious"; PolyPhen-2: "Possibly Damaging"; Align-GVGD: "Class C0"). In summary, the available evidence is currently insufficient to determine the role of this variant in disease. Therefore, it has been classified as a Variant of Uncertain Significance.

NM_032119.4(ADGRV1):c.5095A>G (p.Ser1699Gly)

Gene: ADGRV1 (adhesion G protein-coupled receptor V1; plus strand). Cytogenetic location: 5q14.3.
Variant type: single nucleotide variant.
Coding change: c.5095A>G on transcript NM_032119.4 (MANE Select); coding-DNA position 5095, A replaced by G.
Protein change: p.Ser1699Gly; replaces serine 1699 with glycine.
Molecular consequence: missense variant. On other transcripts: non-coding transcript variant (1).
Genome position (GRCh38, 1-based): chr5:90,674,219, A>G. VCF-style: chr5-90674219-A-G. GRCh37 (hg19) VCF-style: chr5-89970036-A-G.
Other names: short protein forms S1699G.
Identifiers: ClinVar variation 1443463 (VCV001443463.6), dbSNP rs1349796212, ClinGen allele CA360408483.